The following is an entry in ClinVar:

ClinVar aggregate classification (germline): Uncertain significance (1 of 4 stars; one submission).

Conditions:
Walker-Warburg congenital muscular dystrophy. Also called: Muscular dystrophy-dystroglycanopathy, type A; Walker-Warburg syndrome. Identifiers: Orphanet 899, MedGen C0265221, MONDO:0000171.

Allele frequency attached by ClinVar (database versions not stated): gnomAD exomes below 0.00001; ExAC 0.00001; gnomAD 0.00001.
gnomAD v4.1: 1 of 1,611,888 alleles (0.000062%); highest among the groups gnomAD compares: Non-Finnish European, 0.000085%; no homozygotes.

Submission:

Labcorp Genetics (formerly Invitae), Labcorp
Classification: Uncertain significance for Walker-Warburg congenital muscular dystrophy. Last evaluated: 2025-12-10. Review status: criteria provided, single submitter. Criteria: Invitae Variant Classification Sherloc (09022015). Collection method: clinical testing. Allele origin: germline.
Comment: This sequence change replaces aspartic acid, which is acidic and polar, with valine, which is neutral and non-polar, at codon 337 of the FKTN protein (p.Asp337Val). This variant is not present in population databases (gnomAD no frequency). This variant has not been reported in the literature in individuals affected with FKTN-related conditions. ClinVar contains an entry for this variant (Variation ID: 1447926). Invitae Evidence Modeling of protein sequence and biophysical properties (such as structural, functional, and spatial information, amino acid conservation, physicochemical variation, residue mobility, and thermodynamic stability) indicates that this missense variant is not expected to disrupt FKTN protein function with a negative predictive value of 95%. Algorithms developed to predict the effect of sequence changes on RNA splicing suggest that this variant may disrupt the consensus splice site. In summary, the available evidence is currently insufficient to determine the role of this variant in disease. Therefore, it has been classified as a Variant of Uncertain Significance.

NM_001079802.2(FKTN):c.1010A>T (p.Asp337Val)

Gene: FKTN (fukutin; plus strand). Cytogenetic location: 9q31.2.
Variant type: single nucleotide variant.
Coding change: c.1010A>T on transcript NM_001079802.2 (MANE Select); coding-DNA position 1010, A replaced by T.
Protein change: p.Asp337Val; replaces aspartic acid 337 with valine.
Molecular consequence: missense variant. On other transcripts: non-coding transcript variant (1).
Genome position (GRCh38, 1-based): chr9:105,618,058, A>T. VCF-style: chr9-105618058-A-T. GRCh37 (hg19) VCF-style: chr9-108380339-A-T.
Other names: c.1010A>T, p.Asp337Val (NM_001198963.2, NM_001351496.2, NM_001351498.2 and 1 more transcripts); c.941A>T, p.Asp314Val (NM_001351497.2); c.614A>T, p.Asp205Val (NM_001351499.2, NM_001351500.2, NM_001351501.2 and 1 more transcripts); short protein forms D205V, D314V, D337V.
Identifiers: ClinVar variation 1447926 (VCV001447926.4), dbSNP rs760756067, ClinGen allele CA5170545.
Genomic context (GRCh38, chr9:105,618,058, plus strand): 5'-ATGTTGACCTAGGAATTTTTATACAAGATTACAAATCTGATATTATTTTAGCATTTCAGG[A>T]TGCAGGACTTCCGCTCAAACACAAATTTGGGAAGGTCAGTAACAAAAGTCGGCTTCATTT-3'
Protein context (NP_001073270.1, residues 327-347): YKSDIILAFQ[Asp337Val]AGLPLKHKFG